The following is an entry in ClinVar:

ClinVar aggregate classification (germline): Uncertain significance. Review status: reviewed by expert panel (3 of 4 stars). 4 submissions from 4 submitters: Uncertain significance (1). 3 of the submissions do not count toward it. Last evaluated 2025-04-22.

Conditions:
Autosomal recessive limb-girdle muscular dystrophy. Identifiers: Orphanet 102015, MedGen C2931907, MONDO:0015152.
Neuromuscular disease caused by qualitative or quantitative defects of dysferlin. Also called: Dysferlinopathy; Qualitative or quantitative defects of dysferlin. Identifiers: Orphanet 207073, MedGen C2931687, MONDO:0016145.

Submissions (4):

ClinGen Limb Girdle Muscular Dystrophy Variant Curation Expert Panel, ClinGen
Classification: Uncertain significance for Autosomal recessive limb-girdle muscular dystrophy. Last evaluated: 2025-04-22. Review status: reviewed by expert panel. Criteria: ClinGen LGMD VCEP ACMG Specifications DYSF V1.0.0. Collection method: curation. Allele origin: germline. Inheritance: Autosomal recessive inheritance.
Comment: The NM_003494.4: c.4060_4062del p.(Ser1354del) variant in DYSF, which is also known as NM_001130987.2: c.4114_4116del p.(Ser1372del), is predicted to cause a change in the length of the protein due to an in-frame deletion of one amino acid in a non-repeat region (PM4). This variant has been reported in at least eight individuals with features consistent with LGMD (PMID: 33250842, 30827497, 36983702, 30564623; LOVD DYSF_000416). At least one of these patients was reported to carry the c.4060_4062del p.(Ser1354del) variant in trans with NM_003494.4: c.4439A>C p.(Lys1480Thr), which is classified as likely pathogenic by the LGMD VCEP (1.0 pt, LOVD Individuals #00215628, #00215714) (PM3). However, among the reported cases, at least six, all of Indian origin, were homozygous for both c.4060_4062del p.(Ser1354del) and c.4439A>C p.(Lys1480Thr), indicating these two variants occur in cis (BP2; PMID: 30564623, 36983702; LOVD Individuals #00219454, #00222227; Jain Foundation Dysferlin Registry internal data communication). The highest minor allele frequency for this variant is 0.00002319 in the South Asian population of gnomAD v4.1.0 exomes (2/86250 chromosomes), which is lower than the LGMD VCEP threshold (0.0001) (PM2_Supporting). In summary, there is currently insufficient evidence to determine whether this variant, when identified without NM_003494.4: c.4439A>C p.(Lys1480Thr) as part of a complex allele, is benign or pathogenic. It is therefore classified as a variant of uncertain significance for autosomal recessive limb girdle muscular dystrophy based on the ACMG/AMP criteria applied, as specified by the ClinGen LGMD VCEP (LGMD VCEP specifications version 1.0.0; 04/22/2025): PM4, PM3, BP2, PM2_Supporting.

Labcorp Genetics (formerly Invitae), Labcorp
Classification: Uncertain significance for Neuromuscular disease caused by qualitative or quantitative defects of dysferlin. Last evaluated: 2025-02-28. Review status: criteria provided, single submitter. Criteria: Invitae Variant Classification Sherloc (09022015). Collection method: clinical testing. Allele origin: germline. Not counted in ClinVar's aggregate classification.
Comment: This variant, c.4060_4062del, results in the deletion of 1 amino acid(s) of the DYSF protein (p.Ser1354del), but otherwise preserves the integrity of the reading frame. This variant is not present in population databases (gnomAD no frequency). This variant has been observed in individual(s) with limb-girdle muscular dystrophy (PMID: 30564623, 30827497, 33250842). Experimental studies and prediction algorithms are not available or were not evaluated, and the functional significance of this variant is currently unknown. In summary, the available evidence is currently insufficient to determine the role of this variant in disease. Therefore, it has been classified as a Variant of Uncertain Significance.

Revvity Omics, Revvity
Classification: Likely pathogenic. Last evaluated: 2024-11-08. Review status: criteria provided, single submitter. Criteria: ACMG Guidelines, 2015. Collection method: clinical testing. Allele origin: germline. Not counted in ClinVar's aggregate classification.

Eurofins Ntd Llc (ga)
Classification: Uncertain significance. Last evaluated: 2017-03-20. Review status: criteria provided, single submitter. Criteria: EGL Classification Definitions 2015. Collection method: clinical testing. Allele origin: germline. Observed: 2 variant alleles, 2 homozygotes. Not counted in ClinVar's aggregate classification.

Literature cited by the submitters: PubMed 30564623 (cited by Labcorp Genetics (formerly Invitae), Labcorp); PubMed 30827497 (cited by Labcorp Genetics (formerly Invitae), Labcorp); PubMed 33250842 (cited by Labcorp Genetics (formerly Invitae), Labcorp).

NM_001130987.2(DYSF):c.4111TCC[1] (p.Ser1372del)

Gene: DYSF (dysferlin; plus strand). Cytogenetic location: 2p13.2.
Variant type: Microsatellite.
Coding change: c.4111TCC[1] on transcript NM_001130987.2 (MANE Select); one copy of the 3-base unit TCC starting at c.4111; the reference has two copies in a row; one copy, 3 bases deleted.
Protein change: p.Ser1372del; deletes serine 1372.
Molecular consequence: inframe deletion.
Genome position (GRCh38, 1-based): chr2:71,611,519-71,611,521, TCC deleted; deleting any 3 consecutive bases within chr2:71,611,515-71,611,521 gives the same sequence; the position shown is the placement nearest the transcript's 3' end. VCF-style (leftmost placement, unchanged base first): chr2-71611514-TCTC-T. GRCh37 (hg19) VCF-style: chr2-71838644-TCTC-T.
Other names: NM_001130987.2(DYSF):c.4111TCC[1]; p.Ser1372del; c.4060_4062del (NM_003494.4); c.4060TCC[1], p.Ser1355del (NM_001130455.2, NM_001130983.2); c.4015TCC[1], p.Ser1340del (NM_001130976.2, NM_001130977.2); c.4057TCC[1], p.Ser1354del (NM_001130978.2, NM_003494.4); c.4150TCC[1], p.Ser1385del (NM_001130979.2); c.4108TCC[1], p.Ser1371del (NM_001130980.2, NM_001130981.2); and 3 more; short protein forms S1354del, S1372del, S1386del, S1341del, S1355del, S1385del, S1340del, S1371del.
Identifiers: ClinVar variation 94317 (VCV000094317.11), dbSNP rs398123785, ClinGen allele CA222161.